The following is an entry in ClinVar:

ClinVar aggregate classification (germline): not provided (0 of 4 stars; one submission).

Conditions:
Normal pregnancy. Identifiers: MedGen C0232989.

Submission:

Institute of Molecular and Cell Biology, University of Tartu
No classification provided. Condition: Normal pregnancy. Review status: no classification provided. Collection method: case-control. Allele origin: unknown. Affected: yes. Study: Kasak2014.
Comment: The study aimed to determine the contribution of copy number variants in the genetic etiology of normal and complicated pregnancies. The samples represented (i) maternal blood DNA drawn from healthy pregnant women during 1st or 2nd trimester and (ii) maternal and paternal blood DNA drawn at term pregnancy cases representing normal and complicated gestations (severe preeclampsia, PE; gestational diabetes, GD; small-for-gestational age newborn, SGA; large-for-gestational age newborn, LGA). We performed CNV calling based on genome-wide genotyping dataset (Illumina HumanOmniExpress-24-v1 BeadChip) by applying three algorithms, QuantiSNP, GADA (Genome Alteration Detection Algorithm) and CNstream in parallel. The acquired CNV calls were merged with HD-CNV (Hotspot Detector for Copy Number Variants) program and only the CNVs predicted by at least two programs, were considered in subsequent analysis.

Literature cited by the submitters: PubMed 25666259.

CM000664.1:g.14355721_14385992dup

Gene: LINC00276 (long intergenic non-protein coding RNA 276; minus strand). Cytogenetic location: 2p24.3.
Variant type: Duplication.
Identifiers: ClinVar variation 156780 (VCV000156780.2).